The following is an entry in ClinVar:

ClinVar aggregate classification (germline): Pathogenic (1 of 4 stars; one submission).

Submission:

Quest Diagnostics Nichols Institute San Juan Capistrano
Classification: Pathogenic. Last evaluated: 2022-05-02. Review status: criteria provided, single submitter. Criteria: ACMG/ClinGen CNV Guidelines, 2019. Collection method: clinical testing. Allele origin: unknown.
Comment: The 16q24.3 deletion interval involves multiple exons of ANKRD11 gene (OMIM 611192). A rare syndrome known as KBG (OMIM 148050) can occur due to haploinsufficiency of ANKRD11 via either heterozygous entire gene or intragenic deletions or loss of function mutations (Sirmaci, et al., Am J Hum Genet. 2011 Aug 12;89(2):289-94. PMID: 21782149; Khalifa et al. Am J Med Genet A. 2013 Apr;161A(4):835-40. PMID: 23494856; Goldenberg et al. Am J Med Genet A. 2016 Nov;170(11):2847-2859. PMID: 27605097; Isrie et al.Eur J Hum Genet. 2012 Feb;20(2):131-3. PMID: 21654729). KBG is an autosomal dominant disorder characterized by short stature, characteristic facial appearance, macrodontia, and skeletal anomalies. Mild-to-moderate intellectual disability is also a feature, but individuals with only minor learning difficulties have been reported.

GRCh37/hg19 16q24.3(chr16:89320845-89607414)x1

Genes: ANKRD11 (ankyrin repeat domain containing 11; minus strand), SPG7 (SPG7 matrix AAA peptidase subunit, paraplegin; plus strand), LOC101927817 (uncharacterized LOC101927817; plus strand). Cytogenetic location: 16q24.3.
Variant type: copy number loss.
Change: copy number 1 (one copy instead of two) of chr16:89,320,845-89,607,414 (286.6 kb, GRCh37 coordinates, 1-based), cytogenetic band 16q24.3.
Identifiers: ClinVar variation 1808655 (VCV001808655.1).